The following is an entry in ClinVar:

ClinVar aggregate classification (germline): Uncertain significance. Review status: criteria provided, multiple submitters, no conflicts (2 of 4 stars). 3 submissions from 3 submitters: Uncertain significance (3). Last evaluated 2022-07-05.

Conditions:
Inborn genetic diseases. Identifiers: MedGen C0950123, MeSH D030342.
Wolcott-Rallison dysplasia. Also called: Wolcott-Rallison syndrome; MED-IDDM SYNDROME. Identifiers: Orphanet 1667, MedGen C0432217, MONDO:0009192, OMIM 226980.

gnomAD v4.1: 1 of 1,614,162 alleles (0.000062%); no homozygotes.

Submissions (3):

Ambry Genetics
Classification: Uncertain significance for Inborn genetic diseases. Last evaluated: 2022-07-05. Review status: criteria provided, single submitter. Criteria: Ambry Variant Classification Scheme 2023. Collection method: clinical testing. Allele origin: germline.

Fulgent Genetics
Classification: Uncertain significance for Wolcott-Rallison dysplasia. Last evaluated: 2022-01-18. Review status: criteria provided, single submitter. Criteria: ACMG Guidelines, 2015. Collection method: clinical testing. Allele origin: unknown.

Labcorp Genetics (formerly Invitae), Labcorp
Classification: Uncertain significance. Last evaluated: 2021-09-01. Review status: criteria provided, single submitter. Criteria: Invitae Variant Classification Sherloc (09022015). Collection method: clinical testing. Allele origin: germline.
Comment: This sequence change replaces arginine with lysine at codon 720 of the EIF2AK3 protein (p.Arg720Lys). The arginine residue is weakly conserved and there is a small physicochemical difference between arginine and lysine. This variant is not present in population databases (ExAC no frequency). This variant has not been reported in the literature in individuals affected with EIF2AK3-related conditions. Algorithms developed to predict the effect of missense changes on protein structure and function output the following: SIFT: "Tolerated"; PolyPhen-2: "Benign"; Align-GVGD: "Class C0". The lysine amino acid residue is found in multiple mammalian species, which suggests that this missense change does not adversely affect protein function. In summary, the available evidence is currently insufficient to determine the role of this variant in disease. Therefore, it has been classified as a Variant of Uncertain Significance.

NM_004836.7(EIF2AK3):c.2159G>A (p.Arg720Lys)

Genes: EIF2AK3 (eukaryotic translation initiation factor 2 alpha kinase 3; minus strand), EIF2AK3-AS1 (EIF2AK3 antisense RNA 1; plus strand). Cytogenetic location: 2p11.2.
Variant type: single nucleotide variant.
Coding change: c.2159G>A on transcript NM_004836.7 (MANE Select); coding-DNA position 2159, G replaced by A.
Protein change: p.Arg720Lys; replaces arginine 720 with lysine.
Molecular consequence: missense variant. On other transcripts: non-coding transcript variant (1).
Genome position (GRCh38, 1-based): chr2:88,575,324, C>T on the plus strand (G>A on the coding strand, the complement: EIF2AK3 is on the minus strand). VCF-style: chr2-88575324-C-T. GRCh37 (hg19) VCF-style: chr2-88874842-C-T.
Other names: c.1706G>A, p.Arg569Lys (NM_001313915.2); c.2159G>A (NM_004836.5); short protein forms R569K, R720K.
Identifiers: ClinVar variation 1463386 (VCV001463386.7), dbSNP rs2104411903, ClinGen allele CA347592662.